The following is an entry in ClinVar:

ClinVar aggregate classification (germline): Uncertain significance. Review status: criteria provided, single submitter (1 of 4 stars). 2 submissions from 1 submitter: Uncertain significance (2). Last evaluated 2022-10-17.

Conditions:
Mucopolysaccharidosis, MPS-III-C (MPS3C). Also called: SANFILIPPO SYNDROME C; MPS III C; MPS IIIC (Sanfilippo Syndrome Type C); MUCOPOLYSACCHARIDOSIS, TYPE IIIC; Mucopolysaccharidosis type IIIC (Sanfilippo C); mucopolysaccharidosis type 3C. Identifiers: Orphanet 581, Orphanet 79271, MedGen C0086649, MONDO:0009657, OMIM 252930.
Retinitis pigmentosa 73 (RP73). Identifiers: Orphanet 791, MedGen C4225287, MONDO:0014687, OMIM 616544.
Muscular dystrophy-dystroglycanopathy (congenital with brain and eye anomalies), type a, 12 (MDDGA12). Also called: WALKER-WARBURG SYNDROME OR MUSCLE-EYE-BRAIN DISEASE, POMK-RELATED. Identifiers: Orphanet 899, MedGen C3808964, MONDO:0014101, OMIM 615249.
Limb-girdle muscular dystrophy due to POMK deficiency. Also called: MUSCULAR DYSTROPHY-DYSTROGLYCANOPATHY, LIMB-GIRDLE, POMK-RELATED; Muscular dystrophy-dystroglycanopathy (limb-girdle), type c, 12. Identifiers: Orphanet 445110, MedGen C4015184, MONDO:0014489, OMIM 616094.

Submissions (2):

Labcorp Genetics (formerly Invitae), Labcorp
Classification: Uncertain significance for Muscular dystrophy-dystroglycanopathy (congenital with brain and eye anomalies), type a, 12; Limb-girdle muscular dystrophy due to POMK deficiency. Last evaluated: 2022-10-17. Review status: criteria provided, single submitter. Criteria: Invitae Variant Classification Sherloc (09022015). Collection method: clinical testing. Allele origin: germline.
Comment: A copy number gain of the genomic region encompassing the full coding sequence of the POMK gene has been identified. The boundaries of this event are unknown as they extend beyond the assayed region for this gene and therefore may encompass additional genes. As the precise location of this event is unknown, it may be in tandem or it may be located elsewhere in the genome. This variant has not been reported in the literature in individuals affected with POMK-related conditions. In summary, the available evidence is currently insufficient to determine the role of this variant in disease. Therefore, it has been classified as a Variant of Uncertain Significance.

Labcorp Genetics (formerly Invitae), Labcorp
Classification: Uncertain significance for Retinitis pigmentosa 73; Mucopolysaccharidosis, MPS-III-C. Last evaluated: 2022-10-17. Review status: criteria provided, single submitter. Criteria: Invitae Variant Classification Sherloc (09022015). Collection method: clinical testing. Allele origin: germline.
Comment: A copy number gain of the genomic region encompassing the full coding sequence of the HGSNAT gene has been identified. The boundaries of this event are unknown as they extend beyond the assayed region for this gene and therefore may encompass additional genes. As the precise location of this event is unknown, it may be in tandem or it may be located elsewhere in the genome. This variant has not been reported in the literature in individuals affected with HGSNAT-related conditions. In summary, the available evidence is currently insufficient to determine the role of this variant in disease. Therefore, it has been classified as a Variant of Uncertain Significance.

NC_000008.10:g.(?_42958692)_(43054712_?)dup

Genes: HGSNAT (heparan-alpha-glucosaminide N-acetyltransferase; plus strand), POMK (protein O-mannose kinase; plus strand). Cytogenetic location: 8p11.21.
Variant type: Duplication.
Identifiers: ClinVar variation 1440348 (VCV001440348.4).